The following is an entry in ClinVar:

ClinVar aggregate classification (germline): Conflicting classifications of pathogenicity. Review status: criteria provided, conflicting classifications (1 of 4 stars). 2 submissions from 2 submitters: Uncertain significance (1); Likely benign (1). Last evaluated 2025-02-23.

Conditions:
Spastic paraplegia. Identifiers: MedGen C0037772, HP:0001258.

Allele frequency attached by ClinVar (database versions not stated): gnomAD exomes below 0.00001; ExAC 0.00001; gnomAD 0.00001.
gnomAD v4.1: 2 of 1,613,836 alleles (0.00012%); highest among the groups gnomAD compares: African/African-American, 0.0027%; no homozygotes.

Submissions (2):

Labcorp Genetics (formerly Invitae), Labcorp
Classification: Likely benign for Spastic paraplegia. Last evaluated: 2025-02-23. Review status: criteria provided, single submitter. Criteria: Invitae Variant Classification Sherloc (09022015). Collection method: clinical testing. Allele origin: germline.

GeneDx
Classification: Uncertain significance. Last evaluated: 2017-04-03. Review status: criteria provided, single submitter. Criteria: GeneDx Variant Classification (06012015). Collection method: clinical testing. Allele origin: germline. Affected: yes.
Comment: A variant of uncertain significance has been identified in the KIF5A gene. The E614D variant has not been published as a pathogenic variant, nor has it been reported as a benign variant to our knowledge. The E614D variant is not observed at a significant frequency in large population cohorts (Lek et al., 2016; 1000 Genomes Consortium et al., 2015; Exome Variant Server). This substitution occurs at a position that is conserved across species. However, the E614D variant is a conservative amino acid substitution, which is not likely to impact secondary protein structure as these residues share similar properties. In silico analysis is inconsistent in its predictions as to whether or not the variant is damaging to the protein structure/function. Therefore, based on the currently available information, it is unclear whether this variant is a pathogenic variant or a rare benign variant.

NM_004984.4(KIF5A):c.1842G>C (p.Glu614Asp)

Gene: KIF5A (kinesin family member 5A; plus strand). Cytogenetic location: 12q13.3.
Variant type: single nucleotide variant.
Coding change: c.1842G>C on transcript NM_004984.4 (MANE Select); coding-DNA position 1842, G replaced by C.
Protein change: p.Glu614Asp; replaces glutamic acid 614 with aspartic acid.
Molecular consequence: missense variant.
Genome position (GRCh38, 1-based): chr12:57,575,209, G>C. VCF-style: chr12-57575209-G-C. GRCh37 (hg19) VCF-style: chr12-57968992-G-C.
Other names: c.1575G>C, p.Glu525Asp (NM_001354705.2); short protein forms E614D, E525D.
Identifiers: ClinVar variation 426810 (VCV000426810.3), dbSNP rs757985743, ClinGen allele CA6652922.